The following is an entry in ClinVar:

NM_006939.4(SOS2):c.2162-27_2231dup

Gene: SOS2 (SOS Ras/Rho guanine nucleotide exchange factor 2; minus strand). Cytogenetic location: 14q21.3.
Variant type: Duplication.
Coding change: c.2162-27_2231dup on transcript NM_006939.4 (MANE Select); 27 bases into the intron before coding-DNA position 2162 through coding-DNA position 2231, 97 bases duplicated.
Molecular consequence: splice acceptor variant.
Genome position (GRCh38, 1-based): chr14:50,150,161-50,150,257, 97 bases duplicated. GRCh37 (hg19): chr14:50,616,879-50,616,975.
Identifiers: ClinVar variation 928959 (VCV000928959.1), dbSNP rs1884615891, ClinGen allele CA1139663472.

ClinVar aggregate classification (germline): Uncertain significance (1 of 4 stars; one submission).

Submission:

Women's Health and Genetics/Laboratory Corporation of America, LabCorp
Classification: Uncertain significance. Last evaluated: 2019-09-30. Review status: criteria provided, single submitter. Criteria: LabCorp Variant Classification Summary - May 2015. Collection method: clinical testing. Allele origin: germline.
Comment: Variant summary: SOS2 c.2162-27_2231dup97 is a duplication of part of intron and part of exon sequences, including the splicing site. 4/4 computational tools predict no significant impact on normal splicing. However, these predictions have yet to be confirmed by functional studies. The variant was absent in 251372 control chromosomes. The available data on variant occurrences in the general population are insufficient to allow any conclusion about variant significance. To our knowledge, no occurrence of c.2162-27_2231dup97 in individuals affected with Noonan Syndrome and Related Conditions and no experimental evidence demonstrating its impact on protein function have been reported. No clinical diagnostic laboratories have submitted clinical-significance assessments for this variant to ClinVar after 2014. Based on the evidence outlined above, the variant was classified as uncertain significance.